The following is an entry in ClinVar:

ClinVar aggregate classification (germline): Uncertain significance (1 of 4 stars; one submission).

gnomAD v4.1: 1 of 1,614,090 alleles (0.000062%); highest among the groups gnomAD compares: South Asian, 0.0011%; no homozygotes.

Submission:

Labcorp Genetics (formerly Invitae), Labcorp
Classification: Uncertain significance. Last evaluated: 2025-07-03. Review status: criteria provided, single submitter. Criteria: Invitae Variant Classification Sherloc (09022015). Collection method: clinical testing. Allele origin: germline.
Comment: This sequence change replaces threonine, which is neutral and polar, with isoleucine, which is neutral and non-polar, at codon 703 of the COL7A1 protein (p.Thr703Ile). This variant is not present in population databases (gnomAD no frequency). This variant has not been reported in the literature in individuals affected with COL7A1-related conditions. Invitae Evidence Modeling of protein sequence and biophysical properties (such as structural, functional, and spatial information, amino acid conservation, physicochemical variation, residue mobility, and thermodynamic stability) indicates that this missense variant is not expected to disrupt COL7A1 protein function with a negative predictive value of 95%. In summary, the available evidence is currently insufficient to determine the role of this variant in disease. Therefore, it has been classified as a Variant of Uncertain Significance.

NM_000094.4(COL7A1):c.2108C>T (p.Thr703Ile)

Gene: COL7A1 (collagen type VII alpha 1 chain; minus strand). Cytogenetic location: 3p21.31.
Variant type: single nucleotide variant.
Coding change: c.2108C>T on transcript NM_000094.4 (MANE Select); coding-DNA position 2108, C replaced by T.
Protein change: p.Thr703Ile; replaces threonine 703 with isoleucine.
Molecular consequence: missense variant.
Genome position (GRCh38, 1-based): chr3:48,589,661, G>A on the plus strand (C>T on the coding strand, the complement: COL7A1 is on the minus strand). VCF-style: chr3-48589661-G-A. GRCh37 (hg19) VCF-style: chr3-48627094-G-A.
Other names: short protein forms T703I.
Identifiers: ClinVar variation 4801671 (VCV004801671.1).